The following is an entry in ClinVar:

NM_177438.3(DICER1):c.989A>C (p.Gln330Pro)

Gene: DICER1 (dicer 1, ribonuclease III; minus strand). Cytogenetic location: 14q32.13.
Variant type: single nucleotide variant.
Coding change: c.989A>C on transcript NM_177438.3 (MANE Select); coding-DNA position 989, A replaced by C.
Protein change: p.Gln330Pro; replaces glutamine 330 with proline.
Molecular consequence: missense variant. On other transcripts: 5 prime UTR variant (1), non-coding transcript variant (6).
Genome position (GRCh38, 1-based): chr14:95,124,583, T>G on the plus strand (A>C on the coding strand, the complement: DICER1 is on the minus strand). VCF-style: chr14-95124583-T-G. GRCh37 (hg19) VCF-style: chr14-95590920-T-G.
Other names: c.989A>C, p.Gln330Pro (NM_001395680.1, NM_001395681.1, NM_001395682.1 and 15 more transcripts); c.707A>C, p.Gln236Pro (NM_001395686.1); c.584A>C, p.Gln195Pro (NM_001395687.1, NM_001395688.1, NM_001395689.1 and 3 more transcripts); c.422A>C, p.Gln141Pro (NM_001395691.1); c.-580A>C (NM_001395697.1); short protein forms Q141P, Q236P, Q330P, Q195P.
Identifiers: ClinVar variation 2586395 (VCV002586395.3), dbSNP rs2543184971, ClinGen allele CA390887220.
Genomic context (GRCh38, chr14:95,124,583, plus strand): 5'-GTGTCTGTAAACAATAAAAATTTCCTGTGCAGCTCCTCTTGCTCATGTTTGATGTATTTC[T>G]GTAGTTCTCTTACCATCATTCCAGCTACTTTATCTGCACACCAGGGTCCCAGAACTACCA-3'
Protein context (NP_803187.1, residues 320-340): KVAGMMVREL[Gln330Pro]KYIKHEQEEL

ClinVar aggregate classification (germline): Uncertain significance. Review status: criteria provided, multiple submitters, no conflicts (2 of 4 stars). 2 submissions from 2 submitters: Uncertain significance (2). Last evaluated 2025-11-08.

Conditions:
Hereditary cancer-predisposing syndrome. Also called: Tumor predisposition; Neoplastic Syndromes, Hereditary; Hereditary Cancer Syndrome; Hereditary neoplastic syndrome. Identifiers: Orphanet 140162, MedGen C0027672, MeSH D009386, MONDO:0015356.
DICER1-related tumor predisposition. Also called: DICER1-related pleuropulmonary blastoma cancer predisposition syndrome; DICER1 syndrome. Identifiers: Orphanet 284343, MedGen C3839822, MONDO:0100216.

Allele frequency attached by ClinVar (database versions not stated): gnomAD exomes below 0.00001.
gnomAD v4.1: 1 of 1,613,866 alleles (0.000062%); highest among the groups gnomAD compares: Non-Finnish European, 0.000085%; no homozygotes.

Submissions (2):

Labcorp Genetics (formerly Invitae), Labcorp
Classification: Uncertain significance for DICER1-related tumor predisposition. Last evaluated: 2025-11-08. Review status: criteria provided, single submitter. Criteria: Invitae Variant Classification Sherloc (09022015). Collection method: clinical testing. Allele origin: germline.
Comment: This sequence change replaces glutamine, which is neutral and polar, with proline, which is neutral and non-polar, at codon 330 of the DICER1 protein (p.Gln330Pro). This variant is not present in population databases (gnomAD no frequency). This variant has not been reported in the literature in individuals affected with DICER1-related conditions. ClinVar contains an entry for this variant (Variation ID: 2586395). Invitae Evidence Modeling of protein sequence and biophysical properties (such as structural, functional, and spatial information, amino acid conservation, physicochemical variation, residue mobility, and thermodynamic stability) has been performed for this missense variant. However, the output from this modeling did not meet the statistical confidence thresholds required to predict the impact of this variant on DICER1 protein function. In summary, the available evidence is currently insufficient to determine the role of this variant in disease. Therefore, it has been classified as a Variant of Uncertain Significance.

Ambry Genetics
Classification: Uncertain significance for Hereditary cancer-predisposing syndrome. Last evaluated: 2023-06-24. Review status: criteria provided, single submitter. Criteria: Ambry Variant Classification Scheme 2023. Collection method: clinical testing. Allele origin: germline.
Comment: The p.Q330P variant (also known as c.989A>C), located in coding exon 7 of the DICER1 gene, results from an A to C substitution at nucleotide position 989. The glutamine at codon 330 is replaced by proline, an amino acid with similar properties. This amino acid position is conserved. In addition, this alteration is predicted to be deleterious by in silico analysis. Since supporting evidence is limited at this time, the clinical significance of this alteration remains unclear.